The following is an entry in ClinVar:

ClinVar aggregate classification (germline): Pathogenic (1 of 4 stars; one submission).

Conditions:
Agenesis of the corpus callosum with peripheral neuropathy (ACCPN). Also called: CHARLEVOIX DISEASE; POLYNEUROPATHY, SENSORIMOTOR, WITH OR WITHOUT AGENESIS OF THE CORPUS CALLOSUM; HMSN/ACC; Hereditary Motor and Sensory Neuropathy with Agenesis of the Corpus Callosum. Identifiers: Orphanet 1496, MedGen C0795950, MONDO:0000902, OMIM 218000. Disease mechanism: loss of function.

Submission:

Myriad Genetics, Inc.
Classification: Pathogenic for Agenesis of the corpus callosum with peripheral neuropathy. Last evaluated: 2024-08-02. Review status: criteria provided, single submitter. Criteria: Myriad Autosomal Dominant, Autosomal Recessive and X-Linked Classification Criteria (2023). Collection method: clinical testing. Allele origin: unknown.
Comment: NM_133647.1(SLC12A6):c.1272delT(F424Lfs*19) is expected to be pathogenic in the context of Andermann syndrome. This variant is predicted to lead to an abnormal or absent protein product due to the creation of a premature termination codon in SLC12A6, a gene where loss-of-function variants are known to be pathogenic. Please note: this variant was assessed in the context of healthy population screening.

NM_001365088.1(SLC12A6):c.1272del (p.Phe424fs)

Gene: SLC12A6 (solute carrier family 12 member 6; minus strand). Cytogenetic location: 15q14.
Variant type: Deletion.
Coding change: c.1272del on transcript NM_001365088.1 (MANE Select); coding-DNA position 1272, one base deleted (T; older notation c.1272delT).
Protein change: p.Phe424fs; shifts the reading frame from phenylalanine 424.
Molecular consequence: frameshift variant.
Genome position (GRCh38, 1-based): chr15:34,252,231, A deleted on the plus strand (T on the coding strand, the reverse complement: SLC12A6 is on the minus strand); the first of 3 consecutive A bases (chr15:34,252,231-34,252,233); deleting any one gives the same sequence. VCF-style (leftmost placement, unchanged base first): chr15-34252230-CA-C. GRCh37 (hg19) VCF-style: chr15-34544431-CA-C.
Other names: c.1095del, p.Phe365fs (NM_001042494.2, NM_001042495.2); c.1245del, p.Phe415fs (NM_001042496.2); c.1227del, p.Phe409fs (NM_001042497.2); c.1119del, p.Phe373fs (NM_005135.2); c.1272del, p.Phe424fs (NM_133647.2); short protein forms F365fs, F373fs, F409fs, F415fs, F424fs.
Identifiers: ClinVar variation 5013399 (VCV005013399.1).